The following is an entry in ClinVar:

ClinVar aggregate classification (germline): Conflicting classifications of pathogenicity. Review status: criteria provided, conflicting classifications (1 of 4 stars). 2 submissions from 2 submitters: Uncertain significance (1); Likely benign (1). Last evaluated 2025-06-04.

Conditions:
Hereditary nonpolyposis colorectal neoplasms. Identifiers: MedGen C0009405, MeSH D003123.
Hereditary cancer-predisposing syndrome. Also called: Neoplastic Syndromes, Hereditary; Tumor predisposition; Hereditary neoplastic syndrome; Hereditary Cancer Syndrome. Identifiers: Orphanet 140162, MedGen C0027672, MeSH D009386, MONDO:0015356.

Submissions (2):

Labcorp Genetics (formerly Invitae), Labcorp
Classification: Likely benign for Hereditary nonpolyposis colorectal neoplasms. Last evaluated: 2025-06-04. Review status: criteria provided, single submitter. Criteria: Invitae Variant Classification Sherloc (09022015). Collection method: clinical testing. Allele origin: germline.

Ambry Genetics
Classification: Uncertain significance for Hereditary cancer-predisposing syndrome. Last evaluated: 2024-01-11. Review status: criteria provided, single submitter. Criteria: Ambry Variant Classification Scheme 2023. Collection method: clinical testing. Allele origin: germline.
Comment: The c.183_184delGCinsAA variant (also known as p.R62S), located in coding exon 1 of the MSH6 gene, results from an in-frame deletion of GC and insertion of AA at nucleotide positions 183 to 184. This results in the substitution of the arginine residue for a serine residue at codon 62, an amino acid with dissimilar properties. This amino acid position is poorly conserved in available vertebrate species. In addition, this alteration is predicted to be neutral by in silico analysis (Choi Y et al. PLoS ONE. 2012; 7(10):e46688). Since supporting evidence is limited at this time, the clinical significance of this alteration remains unclear.

NM_000179.3(MSH6):c.183_184delinsAA (p.Arg62Ser)

Gene: MSH6 (mutS homolog 6; plus strand). Cytogenetic location: 2p16.3.
Variant type: Indel.
Coding change: c.183_184delinsAA on transcript NM_000179.3 (MANE Select); coding-DNA positions 183 to 184, GC replaced by AA.
Protein change: p.Arg62Ser; replaces arginine 62 with serine.
Molecular consequence: missense variant. On other transcripts: 5 prime UTR variant (1).
Genome position (GRCh38, 1-based): chr2:47,783,416-47,783,417, GC replaced by AA. VCF-style: chr2-47783416-GC-AA. GRCh37 (hg19) VCF-style: chr2-48010555-GC-AA.
Other names: c.183_184delinsAA, p.Arg62Ser (NM_001281492.2); c.-554_-553delinsAA (NM_001281493.2); c.183_184delGCinsAA (NM_000179.2); short protein forms R62S.
Identifiers: ClinVar variation 1365556 (VCV001365556.7), dbSNP rs2103940834, ClinGen allele CA2573134718.